The following is an entry in ClinVar:

ClinVar aggregate classification (germline): Uncertain significance (1 of 4 stars; one submission).

Conditions:
X-linked myopathy with postural muscle atrophy. Also called: FHL1-Related Emery-Dreifuss Muscular Dystrophy, X-Linked. Identifiers: Orphanet 178461, MedGen C2678055, MONDO:0010401, OMIM 300696.

Allele frequency attached by ClinVar (database versions not stated): TOPMed 0.00001.

Submission:

Labcorp Genetics (formerly Invitae), Labcorp
Classification: Uncertain significance for X-linked myopathy with postural muscle atrophy. Last evaluated: 2024-01-25. Review status: criteria provided, single submitter. Criteria: Invitae Variant Classification Sherloc (09022015). Collection method: clinical testing. Allele origin: germline.
Comment: This sequence change replaces glutamine, which is neutral and polar, with lysine, which is basic and polar, at codon 113 of the FHL1 protein (p.Gln113Lys). This variant is not present in population databases (gnomAD no frequency). This variant has not been reported in the literature in individuals affected with FHL1-related conditions. An algorithm developed to predict the effect of missense changes on protein structure and function (PolyPhen-2) suggests that this variant is likely to be tolerated. In summary, the available evidence is currently insufficient to determine the role of this variant in disease. Therefore, it has been classified as a Variant of Uncertain Significance.

NM_001159699.2(FHL1):c.385C>A (p.Gln129Lys)

Gene: FHL1 (four and a half LIM domains 1; plus strand). Cytogenetic location: Xq26.3.
Variant type: single nucleotide variant.
Coding change: c.385C>A on transcript NM_001159699.2 (MANE Select); coding-DNA position 385, C replaced by A.
Protein change: p.Gln129Lys; replaces glutamine 129 with lysine.
Molecular consequence: missense variant. On other transcripts: non-coding transcript variant (1).
Genome position (GRCh38, 1-based): chrX:136,207,797, C>A. VCF-style: chrX-136207797-C-A. GRCh37 (hg19) VCF-style: chrX-135289956-C-A.
Other names: c.337C>A, p.Gln113Lys (NM_001369327.2, NM_001369328.1, NM_001369329.1 and 9 more transcripts); c.424C>A, p.Gln142Lys (NM_001159701.2); c.385C>A, p.Gln129Lys (NM_001330659.2); short protein forms Q129K, Q142K, Q113K.
Identifiers: ClinVar variation 2711430 (VCV002711430.3), dbSNP rs2073883626, ClinGen allele CA414608295.